The following is an entry in ClinVar:

NM_006031.6(PCNT):c.5505G>A (p.Leu1835=)

Gene: PCNT (pericentrin; plus strand). Cytogenetic location: 21q22.3.
Variant type: single nucleotide variant.
Coding change: c.5505G>A on transcript NM_006031.6 (MANE Select); coding-DNA position 5505, G replaced by A.
Protein change: p.Leu1835=; no amino-acid change (leucine 1835 retained).
Molecular consequence: synonymous variant.
Genome position (GRCh38, 1-based): chr21:46,411,578, G>A. VCF-style: chr21-46411578-G-A. GRCh37 (hg19) VCF-style: chr21-47831492-G-A.
Other names: c.5151G>A, p.Leu1717= (NM_001315529.2); c.5505G>A (NM_006031.5).
Identifiers: ClinVar variation 2428508 (VCV002428508.8), dbSNP rs371858387, ClinGen allele CA10080007.
Genomic context (GRCh38, chr21:46,411,578, plus strand): 5'-GGCCCTGGAGGCCCTGCAGCAGCGCCTCCAGGGCGCAGAGGAGGCTGCGGAGCTACAGCT[G>A]GCTGAGCTGGAGCGCAATGTAGCCCTCAGGGAGGCTGAGGTCGAAGACATGGCCTCCCGG-3'
Protein context (NP_006022.3, residues 1825-1845): QGAEEAAELQ[Leu1835=]AELERNVALR

ClinVar aggregate classification (germline): Likely benign. Review status: criteria provided, multiple submitters, no conflicts (2 of 4 stars). 3 submissions from 3 submitters: Likely benign (2). 1 of the submissions does not count toward it. Last evaluated 2024-08-21.

Conditions:
PCNT-related disorder. Also called: PCNT-related condition.
Microcephalic osteodysplastic primordial dwarfism type II (MOPD2). Also called: MOPD II; Microcephalic osteodysplastic primordial dwarfism with tooth abnormalities; OSTEODYSPLASTIC PRIMORDIAL DWARFISM, TYPE II. Identifiers: Orphanet 2637, MedGen C0432246, MONDO:0008872, OMIM 210720.

Allele frequency attached by ClinVar (database versions not stated): ExAC 0.00003; ESP Exome Variant Server 0.00015; TOPMed 0.00015; gnomAD 0.00017.
gnomAD v4.1: 37 of 1,612,808 alleles (0.0023%); highest among the groups gnomAD compares: African/African-American, 0.044%; no homozygotes.

Submissions (3):

Labcorp Genetics (formerly Invitae), Labcorp
Classification: Likely benign. Last evaluated: 2024-08-21. Review status: criteria provided, single submitter. Criteria: Invitae Variant Classification Sherloc (09022015). Collection method: clinical testing. Allele origin: germline.

ARUP Laboratories, Molecular Genetics and Genomics, ARUP Laboratories
Classification: Likely benign for Microcephalic osteodysplastic primordial dwarfism type II. Last evaluated: 2022-04-08. Review status: criteria provided, single submitter. Criteria: ARUP Molecular Germline Variant Investigation Process 2021. Collection method: clinical testing. Allele origin: germline.

PreventionGenetics, part of Exact Sciences
Classification: Likely benign for PCNT-related condition. Last evaluated: 2022-08-23. Review status: no assertion criteria provided. Collection method: clinical testing. Allele origin: germline. Not counted in ClinVar's aggregate classification.
Comment: This variant is classified as likely benign based on ACMG/AMP sequence variant interpretation guidelines (Richards et al. 2015 PMID: 25741868, with internal and published modifications).